The following is an entry in ClinVar:

GRCh37/hg19 2q33.2-33.3(chr2:204312776-208235204)x3

Genes: CD28 (CD28 molecule; plus strand), CMKLR2 (chemerin chemokine-like receptor 2; minus strand), INO80D (INO80 complex subunit D; minus strand), KLF7 (KLF transcription factor 7; minus strand), MDH1B (malate dehydrogenase 1B; minus strand) and 12 more. Cytogenetic location: 2q33.2-33.3.
Variant type: copy number gain.
Change: copy number 3 (three copies instead of two) of chr2:204,312,776-208,235,204 (3.92 Mb, GRCh37 coordinates, 1-based), cytogenetic band 2q33.2-33.3.
Identifiers: ClinVar variation 988910 (VCV000988910.4).

ClinVar aggregate classification (germline): Uncertain significance (1 of 4 stars; one submission).

Submission:

Illumina Laboratory Services, Illumina
Classification: Uncertain significance. Last evaluated: 2019-02-07. Review status: criteria provided, single submitter. Criteria: ICSL CNVClassificationCriteria Aug2020. Collection method: clinical testing. Allele origin: unknown.
Comment: This CNV is a 3.9 Mb duplication of 2q33.2q33.3 on chromosome 2, (seq[GRCh38]dup(2)(q33.2q33.3); chr2:g:204312776_208235204), found in a de novo state. CNVs of similar size and position have not been reported in the literature. This CNV has not been reported in published controls. Based on the limited evidence currently available, this CNV is classified as a variant of uncertain significance.